The following is an entry in ClinVar:

NM_001194.4(HCN2):c.2645_2646del (p.Arg882fs)

Gene: HCN2 (hyperpolarization activated cyclic nucleotide gated potassium and sodium channel 2; plus strand). Cytogenetic location: 19p13.3.
Variant type: Microsatellite.
Coding change: c.2645_2646del on transcript NM_001194.4 (MANE Select); coding-DNA positions 2645 to 2646, 2 bases deleted (GC; older notation c.2645_2646delGC).
Protein change: p.Arg882fs; shifts the reading frame from arginine 882.
Molecular consequence: frameshift variant.
Genome position (GRCh38, 1-based): chr19:616,449-616,450, GC deleted; deleting any 2 consecutive bases within chr19:616,444-616,450 gives the same sequence; the c. name uses the placement nearest the transcript's 3' end. VCF-style (leftmost placement, unchanged base first): chr19-616443-CCG-C. GRCh37 (hg19) VCF-style: chr19-616443-CCG-C.
Other names: short protein forms R882fs.
Identifiers: ClinVar variation 5016866 (VCV005016866.1).
Genomic context (GRCh38, chr19:616,443, plus strand): 5'-GCCCGGACCGCAGGGACTCGGCCTCACCCGGCGCCGCCGGCGGCCTGGACCCCCAGGACT[CCG>C]CGCGCTCGCGCCTCTCGTCCAACTTGTGACCCTCGCCGACCGCCCCGCGGGCCCAGGCGG-3'

ClinVar aggregate classification (germline): Uncertain significance (1 of 4 stars; one submission).

Submission:

GeneDx
Classification: Uncertain significance. Last evaluated: 2026-03-26. Review status: criteria provided, single submitter. Criteria: GeneDx Variant Classification Process June 2021. Collection method: clinical testing. Allele origin: germline.
Comment: Not observed at significant frequency in large population cohorts (gnomAD); Frameshift variant predicted to result in abnormal protein length; Has not been previously published as pathogenic or benign to our knowledge